The following is an entry in ClinVar:

NM_024821.5(CCDC134):c.492G>C (p.Leu164=)

Gene: CCDC134 (coiled-coil domain containing 134; plus strand). Cytogenetic location: 22q13.2.
Variant type: single nucleotide variant.
Coding change: c.492G>C on transcript NM_024821.5 (MANE Select); coding-DNA position 492, G replaced by C.
Protein change: p.Leu164=; no amino-acid change (leucine 164 retained).
Molecular consequence: synonymous variant. On other transcripts: intron variant (1).
Genome position (GRCh38, 1-based): chr22:41,813,445, G>C. VCF-style: chr22-41813445-G-C. GRCh37 (hg19) VCF-style: chr22-42209449-G-C.
Other names: c.492G>C, p.Leu164= (NM_001382346.1); c.225+3445G>C (NM_001304797.2).
Identifiers: ClinVar variation 2580830 (VCV002580830.1), dbSNP rs749537268, ClinGen allele CA10261193.

ClinVar aggregate classification (germline): Uncertain significance (1 of 4 stars; one submission).

Allele frequency attached by ClinVar (database versions not stated): gnomAD exomes 0.00001; gnomAD 0.00002; TOPMed 0.00002; ExAC 0.00005.
gnomAD v4.1: 19 of 1,614,086 alleles (0.0012%); highest among the groups gnomAD compares: East Asian, 0.033%; no homozygotes.

Submission:

GeneDx
Classification: Uncertain significance. Last evaluated: 2023-09-25. Review status: criteria provided, single submitter. Criteria: GeneDx Variant Classification Process June 2021. Collection method: clinical testing. Allele origin: germline. Affected: yes.
Comment: In silico analysis supports that this variant does not alter splicing; Has not been previously published as pathogenic or benign to our knowledge